The following is an entry in ClinVar:

ClinVar aggregate classification (germline): Conflicting classifications of pathogenicity. Review status: criteria provided, conflicting classifications (1 of 4 stars). 5 submissions from 5 submitters: Uncertain significance (4); Likely benign (1). Last evaluated 2024-11-11.

Conditions:
Hereditary cancer-predisposing syndrome. Also called: Tumor predisposition; Neoplastic Syndromes, Hereditary; Hereditary Cancer Syndrome; Hereditary neoplastic syndrome. Identifiers: Orphanet 140162, MedGen C0027672, MeSH D009386, MONDO:0015356.
Hereditary breast ovarian cancer syndrome. Also called: Hereditary breast and ovarian cancer; Hereditary breast and ovarian cancer syndrome (HBOC); BRCA1- and BRCA2-Associated Hereditary Breast and Ovarian Cancer; Breast and ovarian cancer; Hereditary breast and ovarian cancer syndrome; Hereditary breast and/or ovarian cancer syndrome. Identifiers: Orphanet 145, MedGen C0677776, MeSH D061325, MONDO:0003582. Disease mechanism: loss of function.
Breast-ovarian cancer, familial, susceptibility to, 2 (BROVCA2). Also called: BRCA2 Hereditary Breast and Ovarian Cancer. Identifiers: Orphanet 145, MedGen C2675520, MONDO:0012933, OMIM 612555. Disease mechanism: loss of function.

Submissions (5):

Labcorp Genetics (formerly Invitae), Labcorp
Classification: Uncertain significance for Hereditary breast ovarian cancer syndrome. Last evaluated: 2024-11-11. Review status: criteria provided, single submitter. Criteria: Invitae Variant Classification Sherloc (09022015). Collection method: clinical testing. Allele origin: germline.
Comment: This sequence change replaces glutamine, which is neutral and polar, with proline, which is neutral and non-polar, at codon 864 of the BRCA2 protein (p.Gln864Pro). This variant is not present in population databases (gnomAD no frequency). This variant has not been reported in the literature in individuals affected with BRCA2-related conditions. ClinVar contains an entry for this variant (Variation ID: 489752). Invitae Evidence Modeling of protein sequence and biophysical properties (such as structural, functional, and spatial information, amino acid conservation, physicochemical variation, residue mobility, and thermodynamic stability) indicates that this missense variant is not expected to disrupt BRCA2 protein function with a negative predictive value of 95%. In summary, the available evidence is currently insufficient to determine the role of this variant in disease. Therefore, it has been classified as a Variant of Uncertain Significance.

Ambry Genetics
Classification: Uncertain significance for Hereditary cancer-predisposing syndrome. Last evaluated: 2023-12-19. Review status: criteria provided, single submitter. Criteria: Ambry Variant Classification Scheme 2023. Collection method: clinical testing. Allele origin: germline.
Comment: The p.Q864P variant (also known as c.2591A>C), located in coding exon 10 of the BRCA2 gene, results from an A to C substitution at nucleotide position 2591. The glutamine at codon 864 is replaced by proline, an amino acid with similar properties. This amino acid position is well conserved in available vertebrate species. In addition, the in silico prediction for this alteration is inconclusive. Since supporting evidence is limited at this time, the clinical significance of this alteration remains unclear.

All of Us Research Program, National Institutes of Health
Classification: Uncertain significance for Breast-ovarian cancer, familial, susceptibility to, 2. Last evaluated: 2023-12-13. Review status: criteria provided, single submitter. Criteria: ACMG Guidelines, 2015. Collection method: clinical testing. Allele origin: germline. Inheritance: Autosomal dominant inheritance. Observed: 1 variant allele, 1 heterozygote.
Comment: This missense variant replaces glutamine with proline at codon 864 of the BRCA2 protein. Computational prediction suggests that this variant may not impact protein structure and function (internally defined REVEL score threshold <= 0.5, PMID: 27666373). To our knowledge, functional studies have not been reported for this variant. This variant has not been reported in individuals affected with BRCA2-related disorders in the literature. This variant has not been identified in the general population by the Genome Aggregation Database (gnomAD). The available evidence is insufficient to determine the role of this variant in disease conclusively. Therefore, this variant is classified as a Variant of Uncertain Significance.

This study involves interpretation of variants in research participants for the purpose of population health screening. Participant phenotype was not available at the time of variant classification. Additional details can be found in publication PMID: 35346344, PMCID: PMC8962531

Color Diagnostics, LLC DBA Color Health
Classification: Uncertain significance for Hereditary cancer-predisposing syndrome. Last evaluated: 2023-11-16. Review status: criteria provided, single submitter. Criteria: ACMG Guidelines, 2015. Collection method: clinical testing. Allele origin: germline.
Comment: This missense variant replaces glutamine with proline at codon 864 of the BRCA2 protein. Computational prediction suggests that this variant may not impact protein structure and function (internally defined REVEL score threshold <= 0.5, PMID: 27666373). To our knowledge, functional studies have not been reported for this variant. This variant has not been reported in individuals affected with BRCA2-related disorders in the literature. This variant has not been identified in the general population by the Genome Aggregation Database (gnomAD). The available evidence is insufficient to determine the role of this variant in disease conclusively. Therefore, this variant is classified as a Variant of Uncertain Significance.

University of Washington Department of Laboratory Medicine, University of Washington
Classification: Likely benign for Hereditary cancer-predisposing syndrome. Last evaluated: 2023-03-23. Review status: criteria provided, single submitter. Criteria: Dines et al. (Genet Med. 2020). Collection method: curation. Allele origin: germline.
Comment: Missense variant in a coldspot region where missense variants are very unlikely to be pathogenic (PMID:31911673).

BRCA2 exon 11 coldspot. Reclassification based on statistical prior probability.

NM_000059.4(BRCA2):c.2591A>C (p.Gln864Pro)

Gene: BRCA2 (BRCA2 DNA repair associated; plus strand). Cytogenetic location: 13q13.1.
Variant type: single nucleotide variant.
Coding change: c.2591A>C on transcript NM_000059.4 (MANE Select); coding-DNA position 2591, A replaced by C.
Protein change: p.Gln864Pro; replaces glutamine 864 with proline.
Molecular consequence: missense variant.
Genome position (GRCh38, 1-based): chr13:32,336,946, A>C. VCF-style: chr13-32336946-A-C. GRCh37 (hg19) VCF-style: chr13-32911083-A-C.
Other names: short protein forms Q864P.
Identifiers: ClinVar variation 489752 (VCV000489752.16), dbSNP rs876659547, ClinGen allele CA387772610.